The following is an entry in ClinVar:

NM_015267.4(CUX2):c.1486G>C (p.Ala496Pro)

Gene: CUX2 (cut like homeobox 2; plus strand). Cytogenetic location: 12q24.12.
Variant type: single nucleotide variant.
Coding change: c.1486G>C on transcript NM_015267.4 (MANE Select); coding-DNA position 1486, G replaced by C.
Protein change: p.Ala496Pro; replaces alanine 496 with proline.
Molecular consequence: missense variant.
Genome position (GRCh38, 1-based): chr12:111,310,268, G>C. VCF-style: chr12-111310268-G-C. GRCh37 (hg19) VCF-style: chr12-111748072-G-C.
Other names: c.1300G>C, p.Ala434Pro (NM_001370598.1); short protein forms A434P, A496P.
Identifiers: ClinVar variation 3731404 (VCV003731404.1).

ClinVar aggregate classification (germline): Uncertain significance (1 of 4 stars; one submission).

Conditions:
Developmental and epileptic encephalopathy, 67. Also called: EPILEPTIC ENCEPHALOPATHY, EARLY INFANTILE, 67. Identifiers: MedGen C4748341, MONDO:0029138, OMIM 618141.

Submission:

Neuberg Centre For Genomic Medicine, NCGM
Classification: Uncertain significance for Developmental and epileptic encephalopathy, 67. Last evaluated: 2023-06-22. Review status: criteria provided, single submitter. Criteria: ACMG Guidelines, 2015. Collection method: clinical testing. Allele origin: germline. Inheritance: Autosomal dominant inheritance. Affected: yes.
Comment: The observed missense variant c.1486G>C(p.Ala496Pro) in CUX2 gene has not been reported previously as a pathogenic variant nor as a benign variant, to our knowledge. This variant is absent in gnomAD Exomes. The amino acid Ala at position 496 is changed to a Pro changing protein sequence and it might alter its composition and physico-chemical properties. Multiple lines of computational evidence (Polyphen-Benign, SIFT-Tolerated and MutationTaster-polymorphism) predict no damaging effect on protein structure and function for this variant. For these reasons, this variant has been classified as Uncertain Significance.